The following is an entry in ClinVar:

ClinVar aggregate classification (germline): Pathogenic/Likely pathogenic. Review status: criteria provided, multiple submitters, no conflicts (2 of 4 stars). 2 submissions from 2 submitters: Pathogenic (1); Likely pathogenic (1). Last evaluated 2025-08-18.

Conditions:
Hereditary breast ovarian cancer syndrome. Also called: Hereditary breast and ovarian cancer; Hereditary breast and ovarian cancer syndrome; Hereditary breast and ovarian cancer syndrome (HBOC); Hereditary breast and/or ovarian cancer syndrome; Breast and ovarian cancer; BRCA1- and BRCA2-Associated Hereditary Breast and Ovarian Cancer. Identifiers: Orphanet 145, MedGen C0677776, MeSH D061325, MONDO:0003582. Disease mechanism: loss of function.

Submissions (2):

Quest Diagnostics Nichols Institute San Juan Capistrano
Classification: Likely pathogenic. Last evaluated: 2025-08-18. Review status: criteria provided, single submitter. Criteria: Quest Diagnostics criteria. Collection method: clinical testing. Allele origin: unknown.
Comment: The BRCA2 c.7572dup (p.Ala2525Serfs*14) variant alters the translational reading frame of the BRCA2 mRNA and is predicted to cause the premature termination of BRCA2 protein synthesis. This variant has not been reported in individuals with BRCA2-related conditions in the published literature. This variant has not been reported in large, multi-ethnic general populations (Genome Aggregation Database). Based on the available information, this variant is classified as likely pathogenic.

Labcorp Genetics (formerly Invitae), Labcorp
Classification: Pathogenic for Hereditary breast ovarian cancer syndrome. Last evaluated: 2025-05-04. Review status: criteria provided, single submitter. Criteria: Invitae Variant Classification Sherloc (09022015). Collection method: clinical testing. Allele origin: germline.
Comment: This sequence change creates a premature translational stop signal (p.Ala2525Serfs*14) in the BRCA2 gene. It is expected to result in an absent or disrupted protein product. Loss-of-function variants in BRCA2 are known to be pathogenic (PMID: 20104584). This variant is not present in population databases (gnomAD no frequency). This variant has not been reported in the literature in individuals affected with BRCA2-related conditions. ClinVar contains an entry for this variant (Variation ID: 642766). For these reasons, this variant has been classified as Pathogenic.

Literature cited by the submitters: PubMed 20104584 (cited by Labcorp Genetics (formerly Invitae), Labcorp).

NM_000059.4(BRCA2):c.7572dup (p.Ala2525fs)

Gene: BRCA2 (BRCA2 DNA repair associated; plus strand). Cytogenetic location: 13q13.1.
Variant type: Duplication.
Coding change: c.7572dup on transcript NM_000059.4 (MANE Select); coding-DNA position 7572, one base duplicated (A; older notation c.7572dupA).
Protein change: p.Ala2525fs; shifts the reading frame from alanine 2525.
Molecular consequence: frameshift variant.
Genome position (GRCh38, 1-based): chr13:32,356,564, A duplicated; the last of 3 consecutive A bases (chr13:32,356,562-32,356,564); duplicating any one gives the same sequence. VCF-style (leftmost placement, unchanged base first): chr13-32356561-G-GA. GRCh37 (hg19) VCF-style: chr13-32930698-G-GA.
Other names: c.7572dup (NM_000059.3); c.7572dupA (NM_000059.3); short protein forms A2525fs.
Identifiers: ClinVar variation 642766 (VCV000642766.8), dbSNP rs1593919830, ClinGen allele CA915946871.